The following is an entry in ClinVar:

NM_001001344.3(ATP2B3):c.1137T>A (p.Ser379=)

Gene: ATP2B3 (ATPase plasma membrane Ca2+ transporting 3; plus strand). Cytogenetic location: Xq28.
Variant type: single nucleotide variant.
Coding change: c.1137T>A on transcript NM_001001344.3 (MANE Select); coding-DNA position 1137, T replaced by A.
Protein change: p.Ser379=; no amino-acid change (serine 379 retained).
Molecular consequence: synonymous variant.
Genome position (GRCh38, 1-based): chrX:153,548,653, T>A. VCF-style: chrX-153548653-T-A. GRCh37 (hg19) VCF-style: chrX-152814111-T-A.
Other names: c.1137T>A, p.Ser379= (NM_001388360.1, NM_001388361.1, NM_001388362.1 and 1 more transcripts); c.1095T>A, p.Ser365= (NM_001410708.1).
Identifiers: ClinVar variation 4823813 (VCV004823813.4).
Genomic context (GRCh38, chrX:153,548,653, plus strand): 5'-CCCTCACCCGTGGCAACCCCTTTCGTCTCCTCCCCGCTCTGTGGCAGGGCTGGTGATGTC[T>A]GCCATCACCGTCATCATCCTGGTCCTCTACTTTGTGATTGAGACGTTTGTCGTGGAAGGC-3'
Protein context (NP_001001344.1, residues 369-389): VQIGKAGLVM[Ser379=]AITVIILVLY

ClinVar aggregate classification (germline): Likely benign (1 of 4 stars; one submission).

Submission:

CeGaT Center for Human Genetics Tuebingen
Classification: Likely benign. Last evaluated: 2026-03-01. Review status: criteria provided, single submitter. Criteria: CeGaT Center For Human Genetics Tuebingen Variant Classification Criteria Version 2. Collection method: clinical testing. Allele origin: germline. Affected: yes. Observed: 1 variant allele.
Comment: ATP2B3: PM2:Supporting, BP4, BP7